The following is an entry in ClinVar:

NM_000179.3(MSH6):c.1139A>C (p.Asp380Ala)

Gene: MSH6 (mutS homolog 6; plus strand). Cytogenetic location: 2p16.3.
Variant type: single nucleotide variant.
Coding change: c.1139A>C on transcript NM_000179.3 (MANE Select); coding-DNA position 1139, A replaced by C.
Protein change: p.Asp380Ala; replaces aspartic acid 380 with alanine.
Molecular consequence: missense variant. On other transcripts: non-coding transcript variant (4), intron variant (1).
Genome position (GRCh38, 1-based): chr2:47,799,122, A>C. VCF-style: chr2-47799122-A-C. GRCh37 (hg19) VCF-style: chr2-48026261-A-C.
Other names: c.749A>C, p.Asp250Ala (NM_001281492.2); c.233A>C, p.Asp78Ala (NM_001281493.2, NM_001281494.2, NM_001406811.1 and 6 more transcripts); c.1235A>C, p.Asp412Ala (NM_001406795.1, NM_001406802.1); c.1139A>C, p.Asp380Ala (NM_001406796.1, NM_001406798.1, NM_001406800.1 and 4 more transcripts); c.842A>C, p.Asp281Ala (NM_001406797.1, NM_001406801.1, NM_001406805.1 and 10 more transcripts); c.614A>C, p.Asp205Ala (NM_001406799.1, NM_001406806.1, NM_001406807.1); c.1061A>C, p.Asp354Ala (NM_001406804.1); c.1145A>C, p.Asp382Ala (NM_001406813.1); and 2 more; short protein forms D205A, D250A, D281A, D324A, D354A, D380A, D382A, D412A.
Identifiers: ClinVar variation 4886891 (VCV004886891.1).

ClinVar aggregate classification (germline): Uncertain significance (1 of 4 stars; one submission).

Conditions:
Inherited MMR deficiency (Lynch syndrome).

Submission:

Genetics Laboratory, Great Ormond Street Hospital NHS Foundation Trust, North Thames Genomic Laboratory Hub
Classification: Uncertain significance for Inherited MMR deficiency (Lynch syndrome). Last evaluated: 2026-06-26. Review status: criteria provided, single submitter. Criteria: CanVIG MMR Gene Specific V1.7. Collection method: clinical testing. Allele origin: germline. Affected: yes.
Comment: PM2_supporting, PP3_moderate, PP4_supporting